The following is an entry in ClinVar:

NM_000093.5(COL5A1):c.67CTG[3] (p.Leu26_Leu28del)

Gene: COL5A1 (collagen type V alpha 1 chain; plus strand). Cytogenetic location: 9q34.3.
Variant type: Microsatellite.
Coding change: c.67CTG[3] on transcript NM_000093.5 (MANE Select); three copies in a row of the 3-base unit CTG starting at c.67; the reference has six copies in a row; three copies, 9 bases deleted; also written c.76_84del.
Protein change: p.Leu26_Leu28del.
Molecular consequence: inframe deletion.
Genome position (GRCh38, 1-based): chr9:134,642,263-134,642,271, CTGCTGCTG deleted; deleting any 9 consecutive bases within chr9:134,642,253-134,642,271 gives the same sequence; the position shown is the placement nearest the transcript's 3' end. VCF-style (leftmost placement, unchanged base first): chr9-134642252-CGCTGCTGCT-C. GRCh37 (hg19) VCF-style: chr9-137534098-CGCTGCTGCT-C.
Other names: c.76_84delCTGCTGCTG (NM_000093.3); c.76_84del (NM_000093.3); c.67CTG[3], p.Leu26_Leu28del (NM_001278074.1).
Identifiers: ClinVar variation 519631 (VCV000519631.6), dbSNP rs773994971, ClinGen allele CA658797338.
Genomic context (GRCh38, chr9:134,642,252, plus strand): 5'-ACGTCCATACCCGCTGGAAAGCGCGCAGCGCGCTCCGCCCGGGCGCCCCGCTGCTGCCCC[CGCTGCTGCT>C]GCTGCTGCTGTGGGCGCCGCCTCCGAGCCGCGCAGGTAAGGGCGCCCCGGGGCGCGGGGC-3'

ClinVar aggregate classification (germline): Uncertain significance. Review status: criteria provided, multiple submitters, no conflicts (2 of 4 stars). 2 submissions from 2 submitters: Uncertain significance (2). Last evaluated 2023-10-04.

Conditions:
Familial thoracic aortic aneurysm and aortic dissection (TAAD). Also called: Thoracic aortic aneurysms and dissections. Identifiers: Orphanet 91387, MedGen C4707243, MONDO:0019625.

Submissions (2):

GeneDx
Classification: Uncertain significance. Last evaluated: 2023-10-04. Review status: criteria provided, single submitter. Criteria: GeneDx Variant Classification Process June 2021. Collection method: clinical testing. Allele origin: germline. Affected: yes.
Comment: Not observed at significant frequency in large population cohorts (gnomAD); In-frame deletion of 3 amino acids in a non-repeat region; Has not been previously published as pathogenic or benign to our knowledge

Ambry Genetics
Classification: Uncertain significance for Familial thoracic aortic aneurysm and aortic dissection. Last evaluated: 2016-07-14. Review status: criteria provided, single submitter. Criteria: Ambry Variant Classification Scheme 2023. Collection method: clinical testing. Allele origin: germline.
Comment: The c.76_84delCTGCTGCTG variant (also known as p.L26_L28del) is located in coding exon 1 of the COL5A1 gene. This variant results from an in-frame CTGCTGCTG deletion at nucleotide positions 76 to 84. This results in the in-frame deletion of three leucine residues within a poly-leucine track. This variant was not reported in population based cohorts in the following databases: Database of Single Nucleotide Polymorphisms (dbSNP), NHLBI Exome Sequencing Project (ESP), and 1000 Genomes Project. In the ESP, this variant was not observed in 160 samples (320 alleles) with coverage at this position. These amino acid positions are highly conserved on limited sequence alignment. Since supporting evidence is limited at this time, the clinical significance of this alteration remains unclear.